The following is an entry in ClinVar:

NM_030928.4(CDT1):c.1125G>A (p.Met375Ile)

Gene: CDT1 (chromatin licensing and DNA replication factor 1; plus strand). Cytogenetic location: 16q24.3.
Variant type: single nucleotide variant.
Coding change: c.1125G>A on transcript NM_030928.4 (MANE Select); coding-DNA position 1125, G replaced by A.
Protein change: p.Met375Ile; replaces methionine 375 with isoleucine.
Molecular consequence: missense variant.
Genome position (GRCh38, 1-based): chr16:88,807,053, G>A. VCF-style: chr16-88807053-G-A. GRCh37 (hg19) VCF-style: chr16-88873461-G-A.
Other names: short protein forms M375I.
Identifiers: ClinVar variation 1029984 (VCV001029984.1), dbSNP rs779105998, ClinGen allele CA8234017.

ClinVar aggregate classification (germline): Uncertain significance (1 of 4 stars; one submission).

Conditions:
Meier-Gorlin syndrome 4 (MGORS4). Identifiers: Orphanet 2554, MedGen C3151120, MONDO:0013431, OMIM 613804.

Allele frequency attached by ClinVar (database versions not stated): gnomAD 0.00001; gnomAD exomes 0.00001 and 0.00003; ExAC 0.00003; TOPMed 0.00003.
gnomAD v4.1: 8 of 1,612,762 alleles (0.0005%); highest among the groups gnomAD compares: East Asian, 0.018%; no homozygotes.

Submission:

Baylor Genetics
Classification: Uncertain significance for Meier-Gorlin syndrome 4. Last evaluated: 2020-07-24. Review status: criteria provided, single submitter. Criteria: ACMG Guidelines, 2015. Collection method: clinical testing. Allele origin: unknown. Affected: yes.
Comment: This variant was determined to be of uncertain significance according to ACMG Guidelines, 2015 [PMID:25741868].